The following is an entry in ClinVar:

NM_025099.6(CTC1):c.311A>C (p.Asn104Thr)

Gene: CTC1 (CST telomere replication complex component 1; minus strand). Cytogenetic location: 17p13.1.
Variant type: single nucleotide variant.
Coding change: c.311A>C on transcript NM_025099.6 (MANE Select); coding-DNA position 311, A replaced by C.
Protein change: p.Asn104Thr; replaces asparagine 104 with threonine.
Molecular consequence: missense variant. On other transcripts: non-coding transcript variant (1).
Genome position (GRCh38, 1-based): chr17:8,238,516, T>G on the plus strand (A>C on the coding strand, the complement: CTC1 is on the minus strand). VCF-style: chr17-8238516-T-G. GRCh37 (hg19) VCF-style: chr17-8141834-T-G.
Other names: c.311A>C, p.Asn104Thr (NM_001411067.1); short protein forms N104T.
Identifiers: ClinVar variation 2864986 (VCV002864986.3), dbSNP rs1597389408, ClinGen allele CA397993557.

ClinVar aggregate classification (germline): Uncertain significance (1 of 4 stars; one submission).

Conditions:
Dyskeratosis congenita. Identifiers: Orphanet 1775, MedGen C0265965, MONDO:0015780.

Submission:

Labcorp Genetics (formerly Invitae), Labcorp
Classification: Uncertain significance for Dyskeratosis congenita. Last evaluated: 2023-05-16. Review status: criteria provided, single submitter. Criteria: Invitae Variant Classification Sherloc (09022015). Collection method: clinical testing. Allele origin: germline.
Comment: In summary, the available evidence is currently insufficient to determine the role of this variant in disease. Therefore, it has been classified as a Variant of Uncertain Significance. Advanced modeling of protein sequence and biophysical properties (such as structural, functional, and spatial information, amino acid conservation, physicochemical variation, residue mobility, and thermodynamic stability) performed at Invitae indicates that this missense variant is not expected to disrupt CTC1 protein function. This variant has not been reported in the literature in individuals affected with CTC1-related conditions. This variant is not present in population databases (gnomAD no frequency). This sequence change replaces asparagine, which is neutral and polar, with threonine, which is neutral and polar, at codon 104 of the CTC1 protein (p.Asn104Thr).